The following is an entry in ClinVar:

NM_005559.4(LAMA1):c.6474C>T (p.Leu2158=)

Gene: LAMA1 (laminin subunit alpha 1; minus strand). Cytogenetic location: 18p11.31.
Variant type: single nucleotide variant.
Coding change: c.6474C>T on transcript NM_005559.4 (MANE Select); coding-DNA position 6474, C replaced by T.
Protein change: p.Leu2158=; no amino-acid change (leucine 2158 retained).
Molecular consequence: synonymous variant.
Genome position (GRCh38, 1-based): chr18:6,975,952, G>A on the plus strand (C>T on the coding strand, the complement: LAMA1 is on the minus strand). VCF-style: chr18-6975952-G-A. GRCh37 (hg19) VCF-style: chr18-6975951-G-A.
Identifiers: ClinVar variation 2648543 (VCV002648543.26), dbSNP rs370095492, ClinGen allele CA8881237.
Genomic context (GRCh38, chr18:6,975,952, plus strand): 5'-GTGCATAAAAGATTCAGTGTCGCTTTCCAAAGGTCCATAACTTACAGCGGTGCTGCTACC[G>A]AGGTAGAAGAGAAGATTATCGGGTTCCTGTGTCTTAACATTTAGTGTTAAGGTATTGTAG-3'
Protein context (NP_005550.2, residues 2148-2168): TQEPDNLLFY[Leu2158=]GSSTASDFLA

ClinVar aggregate classification (germline): Benign/Likely benign. Review status: criteria provided, multiple submitters, no conflicts (2 of 4 stars). 3 submissions from 3 submitters: Benign (1); Likely benign (2). Last evaluated 2025-12-01.

Allele frequency attached by ClinVar (database versions not stated): gnomAD 0.00014; ESP Exome Variant Server 0.00015; gnomAD exomes 0.00028; ExAC 0.00064; 1000 Genomes Project 30x 0.00078; 1000 Genomes Project 0.00100.
gnomAD v4.1: 437 of 1,614,080 alleles (0.027%); highest among the groups gnomAD compares: South Asian, 0.39%; 5 homozygotes.

Submissions (3):

Labcorp Genetics (formerly Invitae), Labcorp
Classification: Benign. Last evaluated: 2025-12-01. Review status: criteria provided, single submitter. Criteria: Invitae Variant Classification Sherloc (09022015). Collection method: clinical testing. Allele origin: germline.

Blueprint Genetics
Classification: Likely benign. Last evaluated: 2024-11-19. Review status: criteria provided, single submitter. Criteria: ACMG Guidelines, 2015. Collection method: clinical testing. Allele origin: germline.

CeGaT Center for Human Genetics Tuebingen
Classification: Likely benign. Last evaluated: 2023-08-01. Review status: criteria provided, single submitter. Criteria: CeGaT Center For Human Genetics Tuebingen Variant Classification Criteria Version 2. Collection method: clinical testing. Allele origin: germline. Affected: yes. Observed: 1 variant allele.
Comment: LAMA1: BP4, BP7